The following is an entry in ClinVar:

ClinVar aggregate classification (germline): Pathogenic. Review status: criteria provided, multiple submitters, no conflicts (2 of 4 stars). 4 submissions from 4 submitters: Pathogenic (2). 2 of the submissions do not count toward it. Last evaluated 2025-05-20.

Conditions:
Alexander disease (ALXDRD). Also called: Alexander's disease. Identifiers: Orphanet 58, MedGen C0270726, MONDO:0008752, OMIM 203450.

Submissions (4):

OLLIN Analises Genomicas, OLLIN
Classification: Pathogenic for Alexander disease. Last evaluated: 2025-05-20. Review status: criteria provided, single submitter. Criteria: ACMG Guidelines 2015 PMID 25741868. Collection method: clinical testing. Allele origin: germline. Affected: yes. Observed: 1 variant allele.
Comment: The missense variant (chr17:44911267A>G), located in exon 6 (of 9), absent in gnomAD v4.1 non-UKB, is reported in ClinVar (VCV000066434.7) and in the scientific literature, and has also been identified de novo in individuals with Alexander disease (PMID: 15732097). In silico analysis predicts that this variant has a deleterious effect. According to currently available evidence, this variant has been classified as pathogenic (PS2, PM2_P, PP3_S).

Labcorp Genetics (formerly Invitae), Labcorp
Classification: Pathogenic. Last evaluated: 2023-05-08. Review status: criteria provided, single submitter. Criteria: Invitae Variant Classification Sherloc (09022015). Collection method: clinical testing. Allele origin: germline.
Comment: This variant disrupts the p.Tyr366 amino acid residue in GFAP. Other variant(s) that disrupt this residue have been observed in individuals with GFAP-related conditions (PMID: 17985264), which suggests that this may be a clinically significant amino acid residue. For these reasons, this variant has been classified as Pathogenic. Advanced modeling of protein sequence and biophysical properties (such as structural, functional, and spatial information, amino acid conservation, physicochemical variation, residue mobility, and thermodynamic stability) has been performed at Invitae for this missense variant, however the output from this modeling did not meet the statistical confidence thresholds required to predict the impact of this variant on GFAP protein function. This sequence change replaces tyrosine, which is neutral and polar, with histidine, which is basic and polar, at codon 366 of the GFAP protein (p.Tyr366His). This variant is not present in population databases (gnomAD no frequency). This missense change has been observed in individual(s) with clinical features of Alexander disease (PMID: 15732097; Invitae). In at least one individual the variant was observed to be de novo. ClinVar contains an entry for this variant (Variation ID: 66434).

Epithelial Biology;  Institute of Medical Biology, Singapore
No classification provided. Review status: no classification provided. Collection method: not provided. Allele origin: not provided. Not counted in ClinVar's aggregate classification.

GeneReviews
No classification provided. Condition: Alexander disease. Review status: no classification provided. Collection method: literature only. Allele origin: germline. Affected: yes. Not counted in ClinVar's aggregate classification.

Literature cited by the submitters: PubMed 15732097 (cited by 3 submitters); PubMed 17985264 (cited by Labcorp Genetics (formerly Invitae), Labcorp); NCBI Bookshelf NBK1172 (cited by GeneReviews).

NM_002055.5(GFAP):c.1096T>C (p.Tyr366His)

Genes: GFAP (glial fibrillary acidic protein; minus strand), LOC130060994 (ATAC-STARR-seq lymphoblastoid active region 12266; plus strand). Cytogenetic location: 17q21.31.
Variant type: single nucleotide variant.
Coding change: c.1096T>C on transcript NM_002055.5 (MANE Select); coding-DNA position 1096, T replaced by C.
Protein change: p.Tyr366His; replaces tyrosine 366 with histidine.
Molecular consequence: missense variant.
Genome position (GRCh38, 1-based): chr17:44,911,267, A>G on the plus strand (T>C on the coding strand, the complement: GFAP is on the minus strand). VCF-style: chr17-44911267-A-G. GRCh37 (hg19) VCF-style: chr17-42988635-A-G.
Other names: c.1096T>C, p.Tyr366His (NM_001131019.3, NM_001242376.3, NM_001363846.2); short protein forms Y366H.
Identifiers: ClinVar variation 66434 (VCV000066434.8), dbSNP rs58008462, ClinGen allele CA217111.